The following is an entry in ClinVar:

ClinVar aggregate classification (germline): Uncertain significance. Review status: criteria provided, multiple submitters, no conflicts (2 of 4 stars). 2 submissions from 2 submitters: Uncertain significance (2). Last evaluated 2024-01-15.

Conditions:
XFE progeroid syndrome (XFEPS). Also called: XPF-ERCC1 PROGEROID SYNDROME. Identifiers: MedGen C1970416, MONDO:0012590, OMIM 610965.
Fanconi anemia complementation group Q. Identifiers: Orphanet 84, MedGen C3808988, MONDO:0014108, OMIM 615272.
Xeroderma pigmentosum, group F (XPF). Also called: XERODERMA PIGMENTOSUM, TYPE F; Xeroderma pigmentosum, type 6; XERODERMA PIGMENTOSUM VI; XP, GROUP F; XERODERMA PIGMENTOSUM, COMPLEMENTATION GROUP F; ERCC4-Related Xeroderma Pigmentosum. Identifiers: MedGen C0268140, MONDO:0010215, OMIM 278760.
Cockayne syndrome. Identifiers: Orphanet 191, MedGen C0009207, MONDO:0016006.

Allele frequency attached by ClinVar (database versions not stated): gnomAD 0.00003; TOPMed 0.00003; gnomAD exomes 0.00009; ESP Exome Variant Server 0.00015; ExAC 0.00016.
gnomAD v4.1: 138 of 1,611,492 alleles (0.0086%); highest among the groups gnomAD compares: Non-Finnish European, 0.0093%; no homozygotes.

Submissions (2):

Fulgent Genetics
Classification: Uncertain significance for Xeroderma pigmentosum, group F; XFE progeroid syndrome; Fanconi anemia complementation group Q. Last evaluated: 2024-01-15. Review status: criteria provided, single submitter. Criteria: ACMG Guidelines, 2015. Collection method: clinical testing. Allele origin: germline.

Labcorp Genetics (formerly Invitae), Labcorp
Classification: Uncertain significance for Fanconi anemia complementation group Q; Xeroderma pigmentosum, group F; Cockayne syndrome. Last evaluated: 2022-08-18. Review status: criteria provided, single submitter. Criteria: Invitae Variant Classification Sherloc (09022015). Collection method: clinical testing. Allele origin: germline.
Comment: This sequence change replaces glycine, which is neutral and non-polar, with glutamic acid, which is acidic and polar, at codon 259 of the ERCC4 protein (p.Gly259Glu). This variant is present in population databases (rs140299888, gnomAD 0.03%). This variant has not been reported in the literature in individuals affected with ERCC4-related conditions. Algorithms developed to predict the effect of missense changes on protein structure and function are either unavailable or do not agree on the potential impact of this missense change (SIFT: "Tolerated"; PolyPhen-2: "Probably Damaging"; Align-GVGD: "Class C0"). In summary, the available evidence is currently insufficient to determine the role of this variant in disease. Therefore, it has been classified as a Variant of Uncertain Significance.

NM_005236.3(ERCC4):c.776G>A (p.Gly259Glu)

Gene: ERCC4 (ERCC excision repair 4, endonuclease catalytic subunit; plus strand). Cytogenetic location: 16p13.12.
Variant type: single nucleotide variant.
Coding change: c.776G>A on transcript NM_005236.3 (MANE Select); coding-DNA position 776, G replaced by A.
Protein change: p.Gly259Glu; replaces glycine 259 with glutamic acid.
Molecular consequence: missense variant.
Genome position (GRCh38, 1-based): chr16:13,928,219, G>A. VCF-style: chr16-13928219-G-A. GRCh37 (hg19) VCF-style: chr16-14022076-G-A.
Other names: short protein forms G259E.
Identifiers: ClinVar variation 2049718 (VCV002049718.2), dbSNP rs140299888, ClinGen allele CA7910264.